The following is an entry in ClinVar:

ClinVar aggregate classification (germline): Pathogenic (1 of 4 stars; one submission).

Conditions:
Ehlers-Danlos syndrome, classic type, 1 (EDSCL1). Also called: EHLERS-DANLOS SYNDROME, GRAVIS TYPE; EHLERS-DANLOS SYNDROME, SEVERE CLASSIC TYPE; EDS I; Ehlers-Danlos Syndrome, Classic Type, COL5A1-Related; Ehlers-Danlos syndrome, type 1. Identifiers: MedGen C0268335, MONDO:0019567, OMIM 130000.

Submission:

Labcorp Genetics (formerly Invitae), Labcorp
Classification: Pathogenic for Ehlers-Danlos syndrome, classic type, 1. Last evaluated: 2020-02-14. Review status: criteria provided, single submitter. Criteria: Invitae Variant Classification Sherloc (09022015). Collection method: clinical testing. Allele origin: germline.
Comment: This variant is an out-of-frame deletion of the genomic region encompassing 2-31 of the COL5A1 gene. This is expected to create a premature translational stop signal and result in an absent or disrupted protein product. For these reasons, this variant has been classified as Pathogenic. Loss-of-function variants in COL5A1 are known to be pathogenic (PMID: 23587214). This variant has not been reported in the literature in individuals with COL5A1-related conditions.

Literature cited by the submitters: PubMed 23587214.

NC_000009.11:g.(?_137582748)_(137677904_?)del

Gene: COL5A1 (collagen type V alpha 1 chain; plus strand). Cytogenetic location: 9q34.3.
Variant type: Deletion.
Identifiers: ClinVar variation 1068593 (VCV001068593.6).